The following is an entry in ClinVar:

ClinVar aggregate classification (germline): Uncertain significance (1 of 4 stars; one submission).

Submission:

Broad Center for Mendelian Genomics, Broad Institute of MIT and Harvard
Classification: Uncertain significance. Last evaluated: 2019-02-07. Review status: criteria provided, single submitter. Criteria: ACMG Guidelines, 2015. Collection method: research. Allele origin: unknown. Inheritance: Autosomal dominant inheritance. Affected: yes.
Comment: The p.Trp1067Glufs*2 variant in KMT2E has not been previously reported in individuals with speech regression or anxiety and was absent from large population studies. However, an individual with a different nucleotide change resulting in the same amino acid chain has been reported in a previous paper (Lossifov 2012, PMID: 22542183). This variant is predicted to cause a frameshift, which alters the proteinâ€™s amino acid sequence beginning at position 1067 and leads to a premature termination codon 2 amino acids downstream. This alteration is then predicted to lead to a truncated or absent protein. This alteration is then predicted to lead to a truncated or absent protein. It is of note, that loss of function of the KMT2E gene in autosomal dominant disease has not yet been established based on the criteria laid out in Tayoun, 2018 (PMID: 30192042). In summary, while there is some suspicion for a pathogenic role, the clinical significance of this variant is uncertain.

NM_182931.3(KMT2E):c.3193_3230del (p.Ser1065fs)

Gene: KMT2E (lysine methyltransferase 2E (inactive); plus strand). Cytogenetic location: 7q22.3.
Variant type: Deletion.
Coding change: c.3193_3230del on transcript NM_182931.3 (MANE Select); coding-DNA positions 3193 to 3230, 38 bases deleted.
Protein change: p.Ser1065fs; shifts the reading frame from serine 1065.
Molecular consequence: frameshift variant.
Genome position (GRCh38, 1-based): chr7:105,107,650-105,107,687, 38 bases deleted. GRCh37 (hg19): chr7:104,748,097-104,748,134.
Other names: c.3193_3230del, p.Ser1065fs (NM_018682.4); short protein forms S1065fs.
Identifiers: ClinVar variation 805909 (VCV000805909.2), dbSNP rs1584805738, ClinGen allele CA915945400.
Genomic context (GRCh38, chr7:105,107,649, plus strand): 5'-TGACAGGGCTGAGCCCAACAGCCAACTGGACTCGACTCACTCTGGACGGGGCACAATGTA[TTCTTCCTGGGTAAAGAGCCCTGACAGAACAGGAGTTAA>T]CTTCTCAGTGAACTCCAACTTGAGGGACCTGACACCCTCGCATCAGTTGGAGGTTGGAGG-3'